The following is an entry in ClinVar:

ClinVar aggregate classification (germline): Uncertain significance (1 of 4 stars; one submission).

Submission:

CeGaT Center for Human Genetics Tuebingen
Classification: Uncertain significance. Last evaluated: 2022-07-01. Review status: criteria provided, single submitter. Criteria: CeGaT Center For Human Genetics Tuebingen Variant Classification Criteria Version 2. Collection method: clinical testing. Allele origin: germline. Affected: yes. Observed: 1 variant allele.
Comment: TBX20: PM2, PVS1:Moderate

NM_001077653.2(TBX20):c.1109_1119del (p.Thr370fs)

Gene: TBX20 (T-box transcription factor 20; minus strand). Cytogenetic location: 7p14.2.
Variant type: Deletion.
Coding change: c.1109_1119del on transcript NM_001077653.2 (MANE Select); coding-DNA positions 1109 to 1119, 11 bases deleted (CCAGCACAGCA).
Protein change: p.Thr370fs; shifts the reading frame from threonine 370.
Molecular consequence: frameshift variant.
Genome position (GRCh38, 1-based): chr7:35,202,655-35,202,665, TGCTGTGCTGG deleted on the plus strand (CCAGCACAGCA on the coding strand, the reverse complement: TBX20 is on the minus strand); deleting any 11 consecutive bases within chr7:35,202,655-35,202,668 gives the same sequence; the c. name uses the placement nearest the transcript's 3' end. VCF-style (leftmost placement, unchanged base first): chr7-35202654-ATGCTGTGCTGG-A. GRCh37 (hg19) VCF-style: chr7-35242266-ATGCTGTGCTGG-A.
Other names: short protein forms T370fs.
Identifiers: ClinVar variation 2657384 (VCV002657384.24), dbSNP rs2546980961, ClinGen allele CA2695198470.
Genomic context (GRCh38, chr7:35,202,654, plus strand): 5'-CCAGTCGGCTATATGGTGGCAGAGAACCCTGGATGGGGTGAGGAATGGGTGTTGCTATGG[ATGCTGTGCTGG>A]TGCCAAGAGCAGTCAGGGACTGTGGGTGCTGAAACCCAGGAAAACTGGAAGAAGATGATA-3'